The following is an entry in ClinVar:

ClinVar aggregate classification (germline): Pathogenic (1 of 4 stars; one submission).

Submission:

Labcorp Genetics (formerly Invitae), Labcorp
Classification: Pathogenic. Last evaluated: 2022-06-13. Review status: criteria provided, single submitter. Criteria: Invitae Variant Classification Sherloc (09022015). Collection method: clinical testing. Allele origin: germline.
Comment: For these reasons, this variant has been classified as Pathogenic. This variant has not been reported in the literature in individuals affected with ADGRV1-related conditions. This variant is not present in population databases (gnomAD no frequency). This sequence change creates a premature translational stop signal (p.Asn4786Thrfs*2) in the ADGRV1 gene. It is expected to result in an absent or disrupted protein product. Loss-of-function variants in ADGRV1 are known to be pathogenic (PMID: 19357117, 22135276, 22147658, 26226137, 26667666, 30029497, 32467589).

Literature cited by the submitters: PubMed 19357117; PubMed 22135276; PubMed 22147658; PubMed 26226137; PubMed 26667666; PubMed 30029497; PubMed 32467589.

NM_032119.4(ADGRV1):c.14355del (p.Asn4786fs)

Gene: ADGRV1 (adhesion G protein-coupled receptor V1; plus strand). Cytogenetic location: 5q14.3.
Variant type: Deletion.
Coding change: c.14355del on transcript NM_032119.4 (MANE Select); coding-DNA position 14355, one base deleted (T; older notation c.14355delT).
Protein change: p.Asn4786fs; shifts the reading frame from asparagine 4786.
Molecular consequence: frameshift variant. On other transcripts: non-coding transcript variant (1).
Genome position (GRCh38, 1-based): chr5:90,791,184, T deleted; the last of 2 consecutive T bases (chr5:90,791,183-90,791,184); deleting either gives the same sequence. VCF-style (leftmost placement, unchanged base first): chr5-90791182-AT-A. GRCh37 (hg19) VCF-style: chr5-90086999-AT-A.
Other names: short protein forms N4786fs.
Identifiers: ClinVar variation 1440965 (VCV001440965.6), dbSNP rs2150134983, ClinGen allele CA2573140025.
Genomic context (GRCh38, chr5:90,791,182, plus strand): 5'-GCCCTGTATTCGGATCGCCAGTCAATACTTATTGGGCAGAACCTTATTAGATCCATCCAA[AT>A]TAACATAACCCGGCTTGCTGGAACATTTGGAGATGTGGCTGTTGGGCTTCGAATATCATC-3'